The following is an entry in ClinVar:

ClinVar aggregate classification (germline): Uncertain significance. Review status: criteria provided, multiple submitters, no conflicts (2 of 4 stars). 2 submissions from 2 submitters: Uncertain significance (2). Last evaluated 2018-11-16.

Conditions:
Emery-Dreifuss muscular dystrophy 5, autosomal dominant (EDMD5). Also called: EMERY-DREIFUSS MUSCULAR DYSTROPHY 5. Identifiers: Orphanet 261, MedGen C2751805, MONDO:0013072, OMIM 612999.

Allele frequency attached by ClinVar (database versions not stated): gnomAD exomes below 0.00001; ExAC 0.00001.

Submissions (2):

Labcorp Genetics (formerly Invitae), Labcorp
Classification: Uncertain significance for Emery-Dreifuss muscular dystrophy 5, autosomal dominant. Last evaluated: 2018-11-16. Review status: criteria provided, single submitter. Criteria: Invitae Variant Classification Sherloc (09022015). Collection method: clinical testing. Allele origin: germline.
Comment: This sequence change replaces leucine with phenylalanine at codon 1913 of the SYNE2 protein (p.Leu1913Phe). The leucine residue is weakly conserved and there is a small physicochemical difference between leucine and phenylalanine. This variant is present in population databases (rs780436538, ExAC 0.001%). This variant has not been reported in the literature in individuals with SYNE2-related disease. ClinVar contains an entry for this variant (Variation ID: 436915). Algorithms developed to predict the effect of missense changes on protein structure and function are either unavailable or do not agree on the potential impact of this missense change (SIFT: "Deleterious"; PolyPhen-2: "Probably Damaging"; Align-GVGD: "Class C0"). In summary, the available evidence is currently insufficient to determine the role of this variant in disease. Therefore, it has been classified as a Variant of Uncertain Significance.

Genetic Services Laboratory, University of Chicago
Classification: Uncertain significance. Last evaluated: 2016-12-23. Review status: criteria provided, single submitter. Criteria: ACMG Guidelines, 2015. Collection method: clinical testing. Allele origin: germline. Affected: no.

NM_182914.3(SYNE2):c.5737C>T (p.Leu1913Phe)

Gene: SYNE2 (spectrin repeat containing nuclear envelope protein 2; plus strand). Cytogenetic location: 14q23.2.
Variant type: single nucleotide variant.
Coding change: c.5737C>T on transcript NM_182914.3 (MANE Select); coding-DNA position 5737, C replaced by T.
Protein change: p.Leu1913Phe; replaces leucine 1913 with phenylalanine.
Molecular consequence: missense variant.
Genome position (GRCh38, 1-based): chr14:64,024,356, C>T. VCF-style: chr14-64024356-C-T. GRCh37 (hg19) VCF-style: chr14-64491074-C-T.
Other names: c.5737C>T, p.Leu1913Phe (NM_015180.6); short protein forms L1913F.
Identifiers: ClinVar variation 436915 (VCV000436915.14), dbSNP rs780436538, ClinGen allele CA7220543.
Genomic context (GRCh38, chr14:64,024,356, plus strand): 5'-CAGGTGGACAGCGTACTGAAGCATGTGAAGAAGCATCTGCCCAAAGCACATGTGAAGGAG[C>T]TTATCAGTTGGCTCGTGGGTCAGGAATTCGAATTAGAAAAAATGGAGTCCATATGCCAGG-3'
Protein context (NP_878918.2, residues 1903-1923): KHLPKAHVKE[Leu1913Phe]ISWLVGQEFE